The following is an entry in ClinVar:

NM_001083962.2(TCF4):c.242C>G (p.Thr81Ser)

Genes: TCF4 (transcription factor 4; minus strand), TCF4-AS1 (TCF4 antisense RNA 1; plus strand). Cytogenetic location: 18q21.2.
Variant type: single nucleotide variant.
Coding change: c.242C>G on transcript NM_001083962.2 (MANE Select); coding-DNA position 242, C replaced by G.
Protein change: p.Thr81Ser; replaces threonine 81 with serine.
Molecular consequence: missense variant.
Genome position (GRCh38, 1-based): chr18:55,461,081, G>C on the plus strand (C>G on the coding strand, the complement: TCF4 is on the minus strand). VCF-style: chr18-55461081-G-C. GRCh37 (hg19) VCF-style: chr18-53128312-G-C.
Other names: NM_001083962.2(TCF4):c.242C>G; p.Thr81Ser; c.548C>G, p.Thr183Ser (NM_001243226.3); c.170C>G, p.Thr57Ser (NM_001243227.2, NM_001306207.1, NM_001348217.1 and 15 more transcripts); c.242C>G, p.Thr81Ser (NM_001243228.2, NM_001330604.3, NM_001369567.1 and 8 more transcripts); c.236C>G, p.Thr79Ser (NM_001243230.2); c.116C>G, p.Thr39Ser (NM_001243231.2, NM_001348211.2); short protein forms T183S, T39S, T57S, T81S, T79S.
Identifiers: ClinVar variation 1791142 (VCV001791142.8), dbSNP rs760934731, ClinGen allele CA8970612.

ClinVar aggregate classification (germline): Uncertain significance. Review status: reviewed by expert panel (3 of 4 stars). 3 submissions from 3 submitters: Uncertain significance (1). 2 of the submissions do not count toward it. Last evaluated 2024-06-25.

Conditions:
Inborn genetic diseases. Identifiers: MedGen C0950123, MeSH D030342.
Pitt-Hopkins syndrome (PTHS). Also called: ENCEPHALOPATHY, SEVERE EPILEPTIC, WITH AUTONOMIC DYSFUNCTION; MENTAL RETARDATION, SYNDROMAL, WITH INTERMITTENT HYPERVENTILATION. Identifiers: Orphanet 2896, MedGen C1970431, MONDO:0012589, OMIM 610954.

Allele frequency attached by ClinVar (database versions not stated): gnomAD 0.00001.
gnomAD v4.1: 2 of 1,613,194 alleles (0.00012%); highest among the groups gnomAD compares: African/African-American, 0.0027%; no homozygotes.

Submissions (3):

ClinGen Rett and Angelman-like Disorders Variant Curation Expert Panel
Classification: Uncertain significance for Pitt-Hopkins syndrome. Last evaluated: 2024-06-25. Review status: reviewed by expert panel. Criteria: ClinGen RettAS ACMG Specifications TCF4 V3.0.0. Collection method: curation. Allele origin: germline. Inheritance: Autosomal dominant inheritance.
Comment: The highest population minor allele frequency of the p.Thr81Ser variant in TCF4 in gnomAD v4.1 is 0.000027 in the African population (not sufficient to meet BS1 criteria). Computational analysis prediction tools suggest that the p.Thr81Ser variant does not have a deleterious impact; however this information does not predict clinical significance on its own (BP4). In summary, the p.Thr81Ser variant in TCF4 is classified as a variant of uncertain significance based on the ACMG/AMP criteria (BP4).

Labcorp Genetics (formerly Invitae), Labcorp
Classification: Uncertain significance for Pitt-Hopkins syndrome. Last evaluated: 2022-10-04. Review status: criteria provided, single submitter. Criteria: Invitae Variant Classification Sherloc (09022015). Collection method: clinical testing. Allele origin: germline. Not counted in ClinVar's aggregate classification.
Comment: Advanced modeling of protein sequence and biophysical properties (such as structural, functional, and spatial information, amino acid conservation, physicochemical variation, residue mobility, and thermodynamic stability) performed at Invitae indicates that this missense variant is not expected to disrupt TCF4 protein function. In summary, the available evidence is currently insufficient to determine the role of this variant in disease. Therefore, it has been classified as a Variant of Uncertain Significance. This variant has not been reported in the literature in individuals affected with TCF4-related conditions. This variant is present in population databases (rs760934731, gnomAD 0.008%). This sequence change replaces threonine, which is neutral and polar, with serine, which is neutral and polar, at codon 81 of the TCF4 protein (p.Thr81Ser).

Ambry Genetics
Classification: Likely benign for Inborn genetic diseases. Last evaluated: 2019-10-15. Review status: criteria provided, single submitter. Criteria: Ambry Variant Classification Scheme 2023. Collection method: clinical testing. Allele origin: germline. Not counted in ClinVar's aggregate classification.